The following is an entry in ClinVar:

NM_194454.3(KRIT1):c.1579G>A (p.Ala527Thr)

Gene: KRIT1 (KRIT1 ankyrin repeat containing; minus strand). Cytogenetic location: 7q21.2.
Variant type: single nucleotide variant.
Coding change: c.1579G>A on transcript NM_194454.3 (MANE Select); coding-DNA position 1579, G replaced by A.
Protein change: p.Ala527Thr; replaces alanine 527 with threonine.
Molecular consequence: missense variant.
Genome position (GRCh38, 1-based): chr7:92,214,762, C>T on the plus strand (G>A on the coding strand, the complement: KRIT1 is on the minus strand). VCF-style: chr7-92214762-C-T. GRCh37 (hg19) VCF-style: chr7-91844076-C-T.
Other names: c.1435G>A, p.Ala479Thr (NM_001013406.2, NM_001350669.1, NM_001350670.1); c.865G>A, p.Ala289Thr (NM_001350671.1); c.1579G>A, p.Ala527Thr (NM_001350672.1, NM_001350673.1, NM_001350674.1 and 26 more transcripts); short protein forms A527T, A289T, A479T.
Identifiers: ClinVar variation 430226 (VCV000430226.3), dbSNP rs374303823, ClinGen allele CA368142537.

ClinVar aggregate classification (germline): Likely pathogenic (1 of 4 stars; one submission).

Submission:

GeneDx
Classification: Likely pathogenic. Last evaluated: 2019-08-20. Review status: criteria provided, single submitter. Criteria: GeneDx Variant Classification Process June 2021. Collection method: clinical testing. Allele origin: germline. Affected: yes.
Comment: Not observed in large population cohorts (Lek et al., 2016); This variant is associated with the following publications: (PMID: 24466005, 12404106)